The following is an entry in ClinVar:

NM_015267.4(CUX2):c.306C>T (p.Pro102=)

Gene: CUX2 (cut like homeobox 2; plus strand). Cytogenetic location: 12q24.11.
Variant type: single nucleotide variant.
Coding change: c.306C>T on transcript NM_015267.4 (MANE Select); coding-DNA position 306, C replaced by T.
Protein change: p.Pro102=; no amino-acid change (proline 102 retained).
Molecular consequence: synonymous variant.
Genome position (GRCh38, 1-based): chr12:111,291,422, C>T. VCF-style: chr12-111291422-C-T. GRCh37 (hg19) VCF-style: chr12-111729226-C-T.
Other names: c.120C>T, p.Pro40= (NM_001370598.1).
Identifiers: ClinVar variation 3044429 (VCV003044429.17), dbSNP rs371918039, ClinGen allele CA6788316.

ClinVar aggregate classification (germline): Likely benign. Review status: criteria provided, multiple submitters, no conflicts (2 of 4 stars). 3 submissions from 3 submitters: Likely benign (2). 1 of the submissions does not count toward it. Last evaluated 2024-11-07.

Conditions:
CUX2-related disorder. Also called: CUX2-related condition.

Allele frequency attached by ClinVar (database versions not stated): gnomAD exomes 0.00026; TOPMed 0.00049; gnomAD 0.00059; ExAC 0.00095; 1000 Genomes Project 0.00399; 1000 Genomes Project 30x 0.00484.
gnomAD v4.1: 541 of 1,609,426 alleles (0.034%); highest among the groups gnomAD compares: East Asian, 0.82%; 2 homozygotes.

Submissions (3):

Blueprint Genetics
Classification: Likely benign. Last evaluated: 2024-11-07. Review status: criteria provided, single submitter. Criteria: ACMG Guidelines, 2015. Collection method: clinical testing. Allele origin: germline.

CeGaT Center for Human Genetics Tuebingen
Classification: Likely benign. Last evaluated: 2024-11-01. Review status: criteria provided, single submitter. Criteria: CeGaT Center For Human Genetics Tuebingen Variant Classification Criteria Version 2. Collection method: clinical testing. Allele origin: germline. Affected: yes. Observed: 1 variant allele.
Comment: CUX2: BP4, BP7

PreventionGenetics, part of Exact Sciences
Classification: Benign for CUX2-related condition. Last evaluated: 2024-08-14. Review status: no assertion criteria provided. Collection method: clinical testing. Allele origin: germline. Not counted in ClinVar's aggregate classification.
Comment: This variant is classified as benign based on ACMG/AMP sequence variant interpretation guidelines (Richards et al. 2015 PMID: 25741868, with internal and published modifications).